The following is an entry in ClinVar:

NM_001330260.2(SCN8A):c.4638A>T (p.Gln1546His)

Gene: SCN8A (sodium voltage-gated channel alpha subunit 8; plus strand). Cytogenetic location: 12q13.13.
Variant type: single nucleotide variant.
Coding change: c.4638A>T on transcript NM_001330260.2 (MANE Select); coding-DNA position 4638, A replaced by T.
Protein change: p.Gln1546His; replaces glutamine 1546 with histidine.
Molecular consequence: missense variant.
Genome position (GRCh38, 1-based): chr12:51,794,484, A>T. VCF-style: chr12-51794484-A-T. GRCh37 (hg19) VCF-style: chr12-52188268-A-T.
Other names: c.4515A>T, p.Gln1505His (NM_001177984.3, NM_001369788.1); c.4638A>T, p.Gln1546His (NM_014191.4); short protein forms Q1505H, Q1546H.
Identifiers: ClinVar variation 2865564 (VCV002865564.3), dbSNP rs2540315618, ClinGen allele CA384878964.

ClinVar aggregate classification (germline): Uncertain significance (1 of 4 stars; one submission).

Conditions:
Early-infantile DEE. Also called: Ohtahara syndrome; Early infantile epileptic encephalopathy with suppression bursts; Early infantile epileptic encephalopathy. Identifiers: Orphanet 1934, MedGen C0393706, MONDO:0800491.

Submission:

Labcorp Genetics (formerly Invitae), Labcorp
Classification: Uncertain significance for Early-infantile DEE. Last evaluated: 2023-05-19. Review status: criteria provided, single submitter. Criteria: Invitae Variant Classification Sherloc (09022015). Collection method: clinical testing. Allele origin: germline.
Comment: This sequence change replaces glutamine, which is neutral and polar, with histidine, which is basic and polar, at codon 1546 of the SCN8A protein (p.Gln1546His). This variant has not been reported in the literature in individuals affected with SCN8A-related conditions. Advanced modeling of protein sequence and biophysical properties (such as structural, functional, and spatial information, amino acid conservation, physicochemical variation, residue mobility, and thermodynamic stability) performed at Invitae indicates that this missense variant is expected to disrupt SCN8A protein function. In summary, the available evidence is currently insufficient to determine the role of this variant in disease. Therefore, it has been classified as a Variant of Uncertain Significance. This variant is not present in population databases (gnomAD no frequency).